The following is an entry in ClinVar:

NM_000053.4(ATP7B):c.3504T>A (p.Ala1168=)

Gene: ATP7B (ATPase copper transporting beta; minus strand). Cytogenetic location: 13q14.3.
Variant type: single nucleotide variant.
Coding change: c.3504T>A on transcript NM_000053.4 (MANE Select); coding-DNA position 3504, T replaced by A.
Protein change: p.Ala1168=; no amino-acid change (alanine 1168 retained).
Molecular consequence: synonymous variant.
Genome position (GRCh38, 1-based): chr13:51,941,133, A>T on the plus strand (T>A on the coding strand, the complement: ATP7B is on the minus strand). VCF-style: chr13-51941133-A-T. GRCh37 (hg19) VCF-style: chr13-52515269-A-T.
Other names: c.2883T>A, p.Ala961= (NM_001005918.3); c.3171T>A, p.Ala1057= (NM_001243182.2); c.3270T>A, p.Ala1090= (NM_001330578.2); c.3252T>A, p.Ala1084= (NM_001330579.2).
Identifiers: ClinVar variation 1084291 (VCV001084291.10), dbSNP rs768438514, ClinGen allele CA6988670.

ClinVar aggregate classification (germline): Likely benign. Review status: criteria provided, multiple submitters, no conflicts (2 of 4 stars). 3 submissions from 3 submitters: Likely benign (3). Last evaluated 2025-12-08.

Conditions:
Wilson disease (WND). Also called: Wilson's disease. Identifiers: Orphanet 905, MedGen C0019202, MONDO:0010200, OMIM 277900. Disease mechanism: loss of function.

Allele frequency attached by ClinVar (database versions not stated): ExAC 0.00001; gnomAD exomes 0.00001.
gnomAD v4.1: 9 of 1,614,210 alleles (0.00056%); highest among the groups gnomAD compares: Middle Eastern, 0.016%; no homozygotes.

Submissions (3):

Labcorp Genetics (formerly Invitae), Labcorp
Classification: Likely benign for Wilson disease. Last evaluated: 2025-12-08. Review status: criteria provided, single submitter. Criteria: Invitae Variant Classification Sherloc (09022015). Collection method: clinical testing. Allele origin: germline.

All of Us Research Program, National Institutes of Health
Classification: Likely benign for Wilson disease. Last evaluated: 2023-11-30. Review status: criteria provided, single submitter. Criteria: ACMG Guidelines, 2015. Collection method: clinical testing. Allele origin: germline. Inheritance: Autosomal recessive inheritance. Observed: 1 variant allele, 1 heterozygote.
Comment: This study involves interpretation of variants in research participants for the purpose of population health screening. Participant phenotype was not available at the time of variant classification. Additional details can be found in publication PMID: 35346344, PMCID: PMC8962531

Color Diagnostics, LLC DBA Color Health
Classification: Likely benign for Wilson disease. Last evaluated: 2022-05-26. Review status: criteria provided, single submitter. Criteria: ACMG Guidelines, 2015. Collection method: clinical testing. Allele origin: germline.